The following is an entry in ClinVar:

NM_001105206.3(LAMA4):c.2814-1G>A

Genes: LAMA4 (laminin subunit alpha 4; minus strand), LOC126859766 (MED14-independent group 3 enhancer GRCh37_chr6:112462018-112463217; plus strand). Cytogenetic location: 6q21.
Variant type: single nucleotide variant.
Coding change: c.2814-1G>A on transcript NM_001105206.3 (MANE Select); the canonical splice acceptor site of the intron before coding-DNA position 2814, G replaced by A.
Molecular consequence: splice acceptor variant.
Genome position (GRCh38, 1-based): chr6:112,140,923, C>T on the plus strand (G>A on the coding strand, the complement: LAMA4 is on the minus strand). VCF-style: chr6-112140923-C-T. GRCh37 (hg19) VCF-style: chr6-112462125-C-T.
Other names: c.2793-1G>A (NM_002290.5, NM_001105207.3).
Identifiers: ClinVar variation 3222038 (VCV003222038.2), dbSNP rs974213863, ClinGen allele CA144894573.

ClinVar aggregate classification (germline): Uncertain significance (1 of 4 stars; one submission).

Conditions:
Cardiovascular phenotype. Identifiers: MedGen CN230736.

Allele frequency attached by ClinVar (database versions not stated): gnomAD exomes below 0.00001.
gnomAD v4.1: 2 of 1,609,566 alleles (0.00012%); highest among the groups gnomAD compares: Admixed American, 0.0017%; no homozygotes.

Submission:

Ambry Genetics
Classification: Uncertain significance for Cardiovascular phenotype. Last evaluated: 2025-04-03. Review status: criteria provided, single submitter. Criteria: Ambry Variant Classification Scheme 2023. Collection method: clinical testing. Allele origin: germline.
Comment: The c.2793-1G>A intronic variant results from a G to A substitution one nucleotide upstream from coding exon 21 of the LAMA4 gene. This nucleotide position is highly conserved in available vertebrate species. In silico splice site analysis predicts that this alteration will weaken the native splice acceptor site and will result in the creation or strengthening of a novel splice acceptor site. Alterations that disrupt the canonical splice site are expected to cause aberrant splicing, resulting in an abnormal protein or a transcript that is subject to nonsense-mediated mRNA decay. However, loss of function of LAMA4 has not been established as a mechanism of disease. The evidence for this gene-disease relationship is limited; therefore, the clinical significance of this alteration is unclear.